The following is an entry in ClinVar:

NM_000494.4(COL17A1):c.*638G>A

Gene: COL17A1 (collagen type XVII alpha 1 chain; minus strand). Cytogenetic location: 10q25.1.
Variant type: single nucleotide variant.
Coding change: c.*638G>A on transcript NM_000494.4 (MANE Select); 638 bases downstream of the stop codon, G replaced by A.
Molecular consequence: 3 prime UTR variant.
Genome position (GRCh38, 1-based): chr10:104,031,597, C>T on the plus strand (G>A on the coding strand, the complement: COL17A1 is on the minus strand). VCF-style: chr10-104031597-C-T. GRCh37 (hg19) VCF-style: chr10-105791355-C-T.
Other names: c.*638G>A (LRG_1249t1).
Identifiers: ClinVar variation 298673 (VCV000298673.6), dbSNP rs9425, ClinGen allele CA10634487.
Genomic context (GRCh38, chr10:104,031,597, plus strand): 5'-TTTTCTGTTTGCTCTGGCCTGGTTCAGTATAACATATCCATGAACTCTAGTATGGGCCTA[C>T]GGACAATCATAGCTACAATCAGACTTTCTAAGCAAATGGGAATGTGATATACATATAACC-3'

ClinVar aggregate classification (germline): Benign. Review status: criteria provided, multiple submitters, no conflicts (2 of 4 stars). 2 submissions from 2 submitters: Benign (2). Last evaluated 2018-01-12.

Conditions:
Junctional epidermolysis bullosa, non-Herlitz type. Also called: EPIDERMOLYSIS BULLOSA JUNCTIONALIS, DISENTIS TYPE; EPIDERMOLYSIS BULLOSA JUNCTIONALIS, NON-HERLITZ TYPE; EPIDERMOLYSIS BULLOSA JUNCTIONALIS, PROGRESSIVE; EPIDERMOLYSIS BULLOSA JUNCTIONALIS, SEVERE NONLETHAL; Adult junctional epidermolysis bullosa; Epidermolysis bullosa, junctional, non-herlitz type, somatic mosaic revertant. Identifiers: Orphanet 251393, Orphanet 79402, Orphanet 79405, Orphanet 89840, MedGen C0268374, MONDO:0009180, OMIM 226650.

Allele frequency attached by ClinVar (database versions not stated): gnomAD exomes 0.11971; 1000 Genomes Project 0.18850; 1000 Genomes Project 30x 0.19160; TOPMed 0.19481; gnomAD 0.19585 and 0.19895.
gnomAD v4.1: 30,021 of 153,578 alleles (20%); highest among the groups gnomAD compares: African/African-American, 26%; 3,153 homozygotes.

Submissions (2):

Illumina Laboratory Services, Illumina
Classification: Benign for Junctional epidermolysis bullosa, non-Herlitz type. Last evaluated: 2018-01-12. Review status: criteria provided, single submitter. Criteria: ICSL Variant Classification Criteria 13 December 2019. Collection method: clinical testing. Allele origin: germline.
Comment: This variant was observed in the ICSL laboratory as part of a predisposition screen in an ostensibly healthy population. It had not been previously curated by ICSL or reported in the Human Gene Mutation Database (HGMD: prior to June 1st, 2018), and was therefore a candidate for classification through an automated scoring system. Utilizing variant allele frequency, disease prevalence and penetrance estimates, and inheritance mode, an automated score was calculated to assess if this variant is too frequent to cause the disease. Based on the score and internal cut-off values, a variant classified as benign is not then subjected to further curation. The score for this variant resulted in a classification of benign for this disease.

Breakthrough Genomics
Classification: Benign. Review status: criteria provided, single submitter. Criteria: ACMG Guidelines, 2015. Collection method: not provided. Allele origin: germline. Inheritance: Autosomal recessive inheritance. Affected: yes.